The following is an entry in ClinVar:

NM_001378454.1(ALMS1):c.12223G>A (p.Glu4075Lys)

Genes: ALMS1 (ALMS1 centrosome and basal body associated protein; plus strand), LOC126806252 (BRD4-independent group 4 enhancer GRCh37_chr2:73828496-73829695; plus strand). Cytogenetic location: 2p13.1.
Variant type: single nucleotide variant.
Coding change: c.12223G>A on transcript NM_001378454.1 (MANE Select); coding-DNA position 12223, G replaced by A.
Protein change: p.Glu4075Lys; replaces glutamic acid 4075 with lysine.
Molecular consequence: missense variant.
Genome position (GRCh38, 1-based): chr2:73,602,293, G>A. VCF-style: chr2-73602293-G-A. GRCh37 (hg19) VCF-style: chr2-73829420-G-A.
Other names: c.12226G>A, p.Glu4076Lys (NM_015120.4); short protein forms E4076K, E4075K.
Identifiers: ClinVar variation 1753352 (VCV001753352.9), dbSNP rs374220893, ClinGen allele CA1715484.

ClinVar aggregate classification (germline): Uncertain significance. Review status: criteria provided, multiple submitters, no conflicts (2 of 4 stars). 6 submissions from 6 submitters: Uncertain significance (6). Last evaluated 2024-07-14.

Conditions:
Alstrom syndrome (ALMS). Identifiers: Orphanet 64, MedGen C0268425, MONDO:0008763, OMIM 203800.
Cardiovascular phenotype. Identifiers: MedGen CN230736.

Allele frequency attached by ClinVar (database versions not stated): ExAC 0.00004; gnomAD 0.00004; TOPMed 0.00004; ESP Exome Variant Server 0.00008; gnomAD exomes 0.00010; 1000 Genomes Project 30x 0.00016; 1000 Genomes Project 0.00020.
gnomAD v4.1: 146 of 1,614,174 alleles (0.009%); highest among the groups gnomAD compares: Middle Eastern, 0.033%; no homozygotes.

Submissions (6):

ARUP Laboratories, Molecular Genetics and Genomics, ARUP Laboratories
Classification: Uncertain significance for Alstrom syndrome. Last evaluated: 2024-07-14. Review status: criteria provided, single submitter. Criteria: ARUP Molecular Germline Variant Investigation Process 2024. Collection method: clinical testing. Allele origin: germline.
Comment: The ALMS1 c.12223G>A; p.Glu4075Lys variant (rs374220893), to our knowledge, is not reported in the medical literature but is reported in ClinVar (Variation ID: 1753352). This variant is found in the non-Finnish European population with an allele frequency of 0.005% (6/113738 alleles) in the Genome Aggregation Database (v2.1.1). Computational analyses are uncertain whether this variant is neutral or deleterious (REVEL: 0.224). Due to limited information, the clinical significance of this variant is uncertain at this time.

Women's Health and Genetics/Laboratory Corporation of America, LabCorp
Classification: Uncertain significance. Last evaluated: 2024-07-10. Review status: criteria provided, single submitter. Criteria: LabCorp Variant Classification Summary - May 2015. Collection method: clinical testing. Allele origin: germline.
Comment: Variant summary: ALMS1 c.12220G>A (p.Glu4074Lys), also known as c.12226G>A results in a conservative amino acid change located in the ALMS motif (IPR029299) of the encoded protein sequence. Two of four in-silico tools predict a benign effect of the variant on protein function. The variant allele was found at a frequency of 2.8e-05 in 251442 control chromosomes. The available data on variant occurrences in the general population are insufficient to allow any conclusion about variant significance. To our knowledge, no occurrence of c.12220G>A in individuals affected with Alstrom Syndrome and no experimental evidence demonstrating its impact on protein function have been reported. ClinVar contains an entry for this variant (Variation ID: 1753352). Based on the evidence outlined above, the variant was classified as uncertain significance.

Ambry Genetics
Classification: Uncertain significance for Cardiovascular phenotype. Last evaluated: 2024-05-08. Review status: criteria provided, single submitter. Criteria: Ambry Variant Classification Scheme 2023. Collection method: clinical testing. Allele origin: germline.
Comment: The p.E4076K variant (also known as c.12226G>A), located in coding exon 20 of the ALMS1 gene, results from a G to A substitution at nucleotide position 12226. The glutamic acid at codon 4076 is replaced by lysine, an amino acid with similar properties. This amino acid position is highly conserved in available vertebrate species. In addition, the in silico prediction for this alteration is inconclusive. Since supporting evidence is limited at this time, the clinical significance of this alteration remains unclear.

GeneDx
Classification: Uncertain significance. Last evaluated: 2024-04-23. Review status: criteria provided, single submitter. Criteria: GeneDx Variant Classification Process June 2021. Collection method: clinical testing. Allele origin: germline. Affected: yes.
Comment: Not observed at significant frequency in large population cohorts (gnomAD); In silico analysis indicates that this missense variant does not alter protein structure/function; Has not been previously published as pathogenic or benign to our knowledge

Blueprint Genetics
Classification: Uncertain significance. Last evaluated: 2023-07-11. Review status: criteria provided, single submitter. Criteria: ACMG Guidelines, 2015. Collection method: clinical testing. Allele origin: germline.

Labcorp Genetics (formerly Invitae), Labcorp
Classification: Uncertain significance for Alstrom syndrome. Last evaluated: 2022-07-05. Review status: criteria provided, single submitter. Criteria: Invitae Variant Classification Sherloc (09022015). Collection method: clinical testing. Allele origin: germline.
Comment: This sequence change replaces glutamic acid, which is acidic and polar, with lysine, which is basic and polar, at codon 4076 of the ALMS1 protein (p.Glu4076Lys). This variant is present in population databases (rs374220893, gnomAD 0.006%). This variant has not been reported in the literature in individuals affected with ALMS1-related conditions. Experimental studies and prediction algorithms are not available or were not evaluated, and the functional significance of this variant is currently unknown. In summary, the available evidence is currently insufficient to determine the role of this variant in disease. Therefore, it has been classified as a Variant of Uncertain Significance.